The following is an entry in ClinVar:

NM_000260.4(MYO7A):c.3375+6G>A

Gene: MYO7A (myosin VIIA; plus strand). Cytogenetic location: 11q13.5.
Variant type: single nucleotide variant.
Coding change: c.3375+6G>A on transcript NM_000260.4 (MANE Select); 6 bases into the intron after coding-DNA position 3375, G replaced by A.
Molecular consequence: intron variant.
Genome position (GRCh38, 1-based): chr11:77,183,163, G>A. VCF-style: chr11-77183163-G-A. GRCh37 (hg19) VCF-style: chr11-76894208-G-A.
Other names: c.3342+6G>A (NM_001369365.1); c.3375+6G>A (NM_001127180.2, NM_000260.3).
Identifiers: ClinVar variation 4913241 (VCV004913241.2).

ClinVar aggregate classification (germline): Likely benign. Review status: criteria provided, multiple submitters, no conflicts (2 of 4 stars). 2 submissions from 2 submitters: Likely benign (2). Last evaluated 2026-09-15.

Conditions:
MYO7A-related disorder. Also called: MYO7A-related disorders.

gnomAD v4.1: 9 of 1,551,250 alleles (0.00058%); highest among the groups gnomAD compares: Admixed American, 0.0039%; no homozygotes.

Submissions (2):

PreventionGenetics, part of Exact Sciences
Classification: Likely benign for MYO7A-related condition. Last evaluated: 2026-09-15. Review status: criteria provided, single submitter. Criteria: ACMG Guidelines, 2015. Collection method: clinical testing. Allele origin: germline.
Comment: This variant is classified as likely benign based on ACMG/AMP sequence variant interpretation guidelines (Richards et al. 2015 PMID: 25741868, with internal and published modifications).

Blueprint Genetics
Classification: Likely benign. Last evaluated: 2024-05-08. Review status: criteria provided, single submitter. Criteria: ACMG Guidelines, 2015. Collection method: clinical testing. Allele origin: germline.